The following is an entry in ClinVar:

NC_000019.9:g.(?_19004205)_(19006901_?)dup

Genes: CERS1 (ceramide synthase 1; minus strand), GDF1 (growth differentiation factor 1; minus strand). Cytogenetic location: 19p13.11.
Variant type: Duplication.
Identifiers: ClinVar variation 1023831 (VCV001023831.6).

ClinVar aggregate classification (germline): Uncertain significance (1 of 4 stars; one submission).

Conditions:
Progressive myoclonic epilepsy type 8. Identifiers: Orphanet 424027, MedGen C5190825, MONDO:0014545, OMIM 616230.

Submission:

Labcorp Genetics (formerly Invitae), Labcorp
Classification: Uncertain significance for Progressive myoclonic epilepsy type 8. Last evaluated: 2022-07-26. Review status: criteria provided, single submitter. Criteria: Invitae Variant Classification Sherloc (09022015). Collection method: clinical testing. Allele origin: germline.
Comment: In summary, the available evidence is currently insufficient to determine the role of this variant in disease. Therefore, it has been classified as a Variant of Uncertain Significance. This variant has not been reported in the literature in individuals affected with CERS1-related conditions. This variant results in a copy number gain of the genomic region encompassing exon(s) 1-2 of the CERS1 gene. This region includes the initiator codon of the gene. This copy number gain extends beyond the assayed region for this gene and therefore may encompass additional genes. As the precise location of this event is unknown, it may be in tandem or it may be located elsewhere in the genome.